The following is an entry in ClinVar:

ClinVar aggregate classification (germline): Uncertain significance (1 of 4 stars; one submission).

Conditions:
Galloway-Mowat syndrome 3. Identifiers: MedGen C4540266, MONDO:0033007, OMIM 617729.

Submission:

UAEU Genomics Laboratory, United Arab Emirates University
Classification: Uncertain significance for Galloway-Mowat syndrome 3. Last evaluated: 2021-06-30. Review status: criteria provided, single submitter. Criteria: ACMG Guidelines, 2015. Collection method: research. Allele origin: germline. Affected: yes. Observed: 1 variant allele.
Comment: PM2, PP3

NM_017807.4(OSGEP):c.25G>A (p.Gly9Ser)

Genes: OSGEP (O-sialoglycoprotein endopeptidase; minus strand), LOC107372315 (OSGEP/APEX1 bi-directional promoter region; plus strand). Cytogenetic location: 14q11.2.
Variant type: single nucleotide variant.
Coding change: c.25G>A on transcript NM_017807.4 (MANE Select); coding-DNA position 25, G replaced by A.
Protein change: p.Gly9Ser; replaces glycine 9 with serine.
Molecular consequence: missense variant.
Genome position (GRCh38, 1-based): chr14:20,454,659, C>T on the plus strand (G>A on the coding strand, the complement: OSGEP is on the minus strand). VCF-style: chr14-20454659-C-T. GRCh37 (hg19) VCF-style: chr14-20922818-C-T.
Other names: short protein forms G9S.
Identifiers: ClinVar variation 5042573 (VCV005042573.1).
Genomic context (GRCh38, chr14:20,454,659, plus strand): 5'-GCGGGTTCGCCAGCACCTTGCCATCCCGCACCACGCCCACGCCAATCTTATTGGCGCTGC[C>T]TTCAAAACCCAGCACCGCCGGCATGGCGGAGGCTGGGAGAAAACGCCGACAGGACTCCTG-3'
Protein context (NP_060277.1, residues 1-19): MPAVLGFE[Gly9Ser]SANKIGVGVV